The following is an entry in ClinVar:

NM_000203.5(IDUA):c.606C>A (p.Tyr202Ter)

Gene: IDUA (alpha-L-iduronidase; plus strand). Cytogenetic location: 4p16.3.
Variant type: single nucleotide variant.
Coding change: c.606C>A on transcript NM_000203.5 (MANE Select); coding-DNA position 606, C replaced by A.
Protein change: p.Tyr202Ter; replaces tyrosine 202 with a stop codon.
Molecular consequence: nonsense. On other transcripts: non-coding transcript variant (1).
Genome position (GRCh38, 1-based): chr4:1,001,695, C>A. VCF-style: chr4-1001695-C-A. GRCh37 (hg19) VCF-style: chr4-995483-C-A.
Other names: NM_000203.5(IDUA):c.606C>A; p.Tyr202Ter; c.210C>A, p.Tyr70Ter (NM_001363576.1); short protein forms Y202*, Y70*.
Identifiers: ClinVar variation 552333 (VCV000552333.22), dbSNP rs1033313360, ClinGen allele CA355961907.

ClinVar aggregate classification (germline): Pathogenic. Review status: reviewed by expert panel (3 of 4 stars). 7 submissions from 7 submitters: Pathogenic (1). 6 of the submissions do not count toward it. Last evaluated 2025-01-06.

Conditions:
Mucopolysaccharidosis, MPS-I-S. Also called: MPS V; MUCOPOLYSACCHARIDOSIS TYPE V; MUCOPOLYSACCHARIDOSIS TYPE IS; Scheie Syndrome. Identifiers: Orphanet 93474, MedGen C0026708, MONDO:0011760, OMIM 607016.
Hurler syndrome. Also called: Severe MPS I (Hurler Syndrome); MUCOPOLYSACCHARIDOSIS TYPE IH; Gargoylism, Hurler Syndrome. Identifiers: Orphanet 93473, MedGen C0086795, MONDO:0011758, OMIM 607014.
Mucopolysaccharidosis, MPS-I-H/S. Also called: Mucopolysaccharidosis type IH/S. Identifiers: Orphanet 93476, MedGen C0086431, MONDO:0011759, OMIM 607015.
Mucopolysaccharidosis type 1. Also called: Mucopolysaccharidosis Type I; IDUA deficiency; MPS I. Identifiers: Orphanet 579, MedGen C0023786, MONDO:0001586.

gnomAD v4.1: 7 of 1,600,736 alleles (0.00044%); highest among the groups gnomAD compares: Non-Finnish European, 0.00051%; no homozygotes.

Submissions (7):

ClinGen Lysosomal Storage Disorder Variant Curation Expert Panel
Classification: Pathogenic for Mucopolysaccharidosis type 1. Last evaluated: 2025-01-06. Review status: reviewed by expert panel. Criteria: ClinGen LSD ACMG Specifications IDUA V1.0.0. Collection method: curation. Allele origin: germline. Inheritance: Autosomal recessive inheritance.
Comment: The NM_000203.5:c.606C>A (p.Tyr202Ter) variant in IDUA is a nonsense variant predicted to cause a premature stop codon in biologically-relevant exon 6 out of 14, leading to nonsense mediated decay in a gene in which loss-of-function is an established disease mechanism (PVS1). This variant has been detected in at least 3 individuals with MPS I. Of those individuals, all 3 were compound heterozygous for the variant and a pathogenic variant (c.979G>C p.A327P; c.208C>T p.Q70X; c.1205G>A p.W402X) and none of those were confirmed in trans (PMIDs: 27392569, 22976768, clinical lab; PM3). At least 1 patient with this variant had clinical features specific to MPS I including dysostosis multiplex and arthropathy (PMID: 27392569; PP4). The highest population minor allele frequency in gnomAD v4.0 is 0.000005089 (6/1179008 alleles) in the European (non-Finnish) population, which is lower than the ClinGen Lysosomal Diseases VCEP’s threshold for PM2_Supporting (<0.00025), meeting this criterion (PM2_Supporting). To our knowledge, the results of functional assays have not been reported for this variant. There is a ClinVar entry for this variant (Variation ID: 552333, 2 star review status) with 5 submitters classifying the variant as pathogenic. In summary, this variant meets the criteria to be classified as pathogenic for MPS I based on the ACMG/AMP criteria applied, as specified by the ClinGen Lysosomal Diseases Variant Curation Expert panel (Specifications Version 1.0.0): PVS1, PM3, PP4, PM2_Supporting. (Classification approved by the ClinGen Lysosomal Diseases Variant Curation Expert Panel on January 6, 2025)

Natera, Inc.
Classification: Pathogenic for Mucopolysaccharidosis type I. Last evaluated: 2024-04-30. Review status: criteria provided, single submitter. Criteria: Natera Variant Classification Schema (03/2026). Collection method: clinical testing. Allele origin: germline. Not counted in ClinVar's aggregate classification.
Comment: The c.606C>A variant in IDUA is a nonsense variant predicted to introduce a stop codon at amino acid 202. This variant is expected to result in nonsense mediated decay, truncation, or a dysfunctional protein product. This variant is rare in the general population with a frequency below the threshold expected for the associated phenotype(s). This variant has been observed in one or more individuals affected with the associated recessive disease, as either homozygous or compound heterozygous with a second variant (PMID: 31194252, 31194252). Given the available evidence, this variant is classified as Pathogenic.

Fulgent Genetics
Classification: Pathogenic for Hurler syndrome; Mucopolysaccharidosis, MPS-I-H/S; Mucopolysaccharidosis, MPS-I-S. Last evaluated: 2024-03-04. Review status: criteria provided, single submitter. Criteria: ACMG Guidelines, 2015. Collection method: clinical testing. Allele origin: germline. Not counted in ClinVar's aggregate classification.

Labcorp Genetics (formerly Invitae), Labcorp
Classification: Pathogenic for Mucopolysaccharidosis type 1. Last evaluated: 2023-09-07. Review status: criteria provided, single submitter. Criteria: Invitae Variant Classification Sherloc (09022015). Collection method: clinical testing. Allele origin: germline. Not counted in ClinVar's aggregate classification.
Comment: This sequence change creates a premature translational stop signal (p.Tyr202*) in the IDUA gene. It is expected to result in an absent or disrupted protein product. Loss-of-function variants in IDUA are known to be pathogenic (PMID: 11735025, 21480867). The frequency data for this variant in the population databases is considered unreliable, as metrics indicate poor data quality at this position in the gnomAD database. This premature translational stop signal has been observed in individual(s) with mucopolysaccharidosis type I (PMID: 12559846). ClinVar contains an entry for this variant (Variation ID: 552333). For these reasons, this variant has been classified as Pathogenic.

Women's Health and Genetics/Laboratory Corporation of America, LabCorp
Classification: Pathogenic for Mucopolysaccharidosis type 1. Last evaluated: 2022-01-27. Review status: criteria provided, single submitter. Criteria: LabCorp Variant Classification Summary - May 2015. Collection method: clinical testing. Allele origin: germline. Not counted in ClinVar's aggregate classification.
Comment: Variant summary: IDUA c.606C>A (p.Tyr202X) results in a premature termination codon, predicted to cause a truncation of the encoded protein or absence of the protein due to nonsense mediated decay, which are commonly known mechanisms for disease. Truncations downstream of this position have been classified as pathogenic by our laboratory. The variant allele was found at a frequency of 4.3e-06 in 230974 control chromosomes (gnomAD). c.606C>A has been reported in the literature in individuals affected with Mucopolysaccharidosis Type 1 (e.g. Matte_2003, Pollard_2013, Ghosh_2017). Two ClinVar submitters (evaluation after 2014) cites the variant as pathogenic. Based on the evidence outlined above, the variant was classified as pathogenic.

Institute of Human Genetics Munich, TUM University Hospital
Classification: Pathogenic for Hurler syndrome. Last evaluated: 2021-06-29. Review status: criteria provided, single submitter. Criteria: Classification criteria August 2017. Collection method: clinical testing. Allele origin: inherited. Inheritance: Autosomal recessive inheritance. Affected: yes. Observed: 1 variant allele. Not counted in ClinVar's aggregate classification.

Counsyl
Classification: Pathogenic for Hurler syndrome. Last evaluated: 2017-06-07. Review status: no assertion criteria provided. Collection method: clinical testing. Allele origin: unknown. Not counted in ClinVar's aggregate classification.

Literature cited by the submitters: PubMed 31194252 (cited by Natera, Inc.); PubMed 11735025 (cited by Labcorp Genetics (formerly Invitae), Labcorp); PubMed 21480867 (cited by Labcorp Genetics (formerly Invitae), Labcorp); PubMed 12559846 (cited by 3 submitters); PubMed 22976768 (cited by Women's Health and Genetics/Laboratory Corporation of America, LabCorp); PubMed 28752568 (cited by Women's Health and Genetics/Laboratory Corporation of America, LabCorp); PubMed 27392569 (cited by Counsyl).